The following is an entry in ClinVar:

NM_004984.4(KIF5A):c.2734C>T (p.Arg912Trp)

Gene: KIF5A (kinesin family member 5A; plus strand). Cytogenetic location: 12q13.3.
Variant type: single nucleotide variant.
Coding change: c.2734C>T on transcript NM_004984.4 (MANE Select); coding-DNA position 2734, C replaced by T.
Protein change: p.Arg912Trp; replaces arginine 912 with tryptophan.
Molecular consequence: missense variant.
Genome position (GRCh38, 1-based): chr12:57,581,151, C>T. VCF-style: chr12-57581151-C-T. GRCh37 (hg19) VCF-style: chr12-57974934-C-T.
Other names: c.2467C>T, p.Arg823Trp (NM_001354705.2); short protein forms R912W, R823W.
Identifiers: ClinVar variation 618189 (VCV000618189.43), dbSNP rs201098122, ClinGen allele CA6653186.

ClinVar aggregate classification (germline): Uncertain significance. Review status: criteria provided, multiple submitters, no conflicts (2 of 4 stars). 3 submissions from 3 submitters: Uncertain significance (3). Last evaluated 2025-09-21.

Conditions:
Spastic paraplegia. Identifiers: MedGen C0037772, HP:0001258.

Allele frequency attached by ClinVar (database versions not stated): ExAC 0.00002; gnomAD 0.00002; gnomAD exomes 0.00002 and 0.00006; TOPMed 0.00002.
gnomAD v4.1: 94 of 1,613,704 alleles (0.0058%); highest among the groups gnomAD compares: Non-Finnish European, 0.0074%; no homozygotes.

Submissions (3):

Labcorp Genetics (formerly Invitae), Labcorp
Classification: Uncertain significance for Spastic paraplegia. Last evaluated: 2025-09-21. Review status: criteria provided, single submitter. Criteria: Invitae Variant Classification Sherloc (09022015). Collection method: clinical testing. Allele origin: germline.
Comment: This sequence change replaces arginine, which is basic and polar, with tryptophan, which is neutral and slightly polar, at codon 912 of the KIF5A protein (p.Arg912Trp). This variant is present in population databases (rs201098122, gnomAD 0.005%). This variant has not been reported in the literature in individuals affected with KIF5A-related conditions. ClinVar contains an entry for this variant (Variation ID: 618189). Invitae Evidence Modeling of protein sequence and biophysical properties (such as structural, functional, and spatial information, amino acid conservation, physicochemical variation, residue mobility, and thermodynamic stability) has been performed for this missense variant. However, the output from this modeling did not meet the statistical confidence thresholds required to predict the impact of this variant on KIF5A protein function. In summary, the available evidence is currently insufficient to determine the role of this variant in disease. Therefore, it has been classified as a Variant of Uncertain Significance.

CeGaT Center for Human Genetics Tuebingen
Classification: Uncertain significance. Last evaluated: 2022-08-01. Review status: criteria provided, single submitter. Criteria: CeGaT Center For Human Genetics Tuebingen Variant Classification Criteria Version 2. Collection method: clinical testing. Allele origin: germline. Affected: yes. Observed: 1 variant allele.
Comment: KIF5A: PM2

ARUP Laboratories, Molecular Genetics and Genomics, ARUP Laboratories
Classification: Uncertain significance. Last evaluated: 2019-02-27. Review status: criteria provided, single submitter. Criteria: ARUP Molecular Germline Variant Investigation Process. Collection method: clinical testing. Allele origin: germline.
Comment: The p.Arg912Trp variant (rs201098122) has not been reported in the medical literature, gene specific variation databases, nor has it been previously identified by our laboratory. This variant is listed in the genome Aggregation Database (gnomAD) with an overall population frequency of 0.002 percent (identified on 5 out of 245,172 chromosomes). The arginine at position 912 is highly conserved, up to C. elegans (considering 13 species) (Alamut v.2.10.0) and computational analyses of the effects of the p.Arg912Trp variant on protein structure and function predict a deleterious effect (SIFT: damaging, MutationTaster: disease causing, PolyPhen-2: probably damaging). Altogether, there is not enough evidence to classify the p.Arg912Trp variant with certainty.